The following is an entry in ClinVar:

ClinVar aggregate classification (germline): Uncertain significance (1 of 4 stars; one submission).

Conditions:
Iron overload, susceptibility to (IO). Identifiers: MedGen C5703292, MONDO:0859316, OMIM 620121.

gnomAD v4.1: 1 of 1,604,412 alleles (0.000062%); highest among the groups gnomAD compares: East Asian, 0.0023%; no homozygotes.

Submission:

Laboratorio de Genetica e Diagnostico Molecular, Hospital Israelita Albert Einstein
Classification: Uncertain significance for Iron overload, susceptibility to. Last evaluated: 2023-07-07. Review status: criteria provided, single submitter. Criteria: ACMG Guidelines, 2015. Collection method: clinical testing. Allele origin: germline. Affected: yes.
Comment: ACMG classification criteria: PM2 moderate

NM_001718.6(BMP6):c.247A>G (p.Ile83Val)

Gene: BMP6 (bone morphogenetic protein 6; plus strand). Cytogenetic location: 6p24.3.
Variant type: single nucleotide variant.
Coding change: c.247A>G on transcript NM_001718.6 (MANE Select); coding-DNA position 247, A replaced by G.
Protein change: p.Ile83Val; replaces isoleucine 83 with valine.
Molecular consequence: missense variant.
Genome position (GRCh38, 1-based): chr6:7,727,202, A>G. VCF-style: chr6-7727202-A-G. GRCh37 (hg19) VCF-style: chr6-7727435-A-G.
Other names: short protein forms I83V.
Identifiers: ClinVar variation 3901912 (VCV003901912.1).